The following is an entry in ClinVar:

NM_032482.3(DOT1L):c.4209C>T (p.Thr1403=)

Gene: DOT1L (DOT1 like histone lysine methyltransferase; plus strand). Cytogenetic location: 19p13.3.
Variant type: single nucleotide variant.
Coding change: c.4209C>T on transcript NM_032482.3 (MANE Select); coding-DNA position 4209, C replaced by T.
Protein change: p.Thr1403=; no amino-acid change (threonine 1403 retained).
Molecular consequence: synonymous variant.
Genome position (GRCh38, 1-based): chr19:2,226,730, C>T. VCF-style: chr19-2226730-C-T. GRCh37 (hg19) VCF-style: chr19-2226729-C-T.
Other names: c.4209C>T, p.Thr1403= (NM_001411141.1).
Identifiers: ClinVar variation 5038888 (VCV005038888.1).

ClinVar aggregate classification (germline): Likely benign (1 of 4 stars; one submission).

gnomAD v4.1: 191 of 1,559,244 alleles (0.012%); highest among the groups gnomAD compares: Admixed American, 0.12%; no homozygotes.

Submission:

CeGaT Center for Human Genetics Tuebingen
Classification: Likely benign. Last evaluated: 2026-07-01. Review status: criteria provided, single submitter. Criteria: CeGaT Center For Human Genetics Tuebingen Variant Classification Criteria Version 2. Collection method: clinical testing. Allele origin: germline. Affected: yes. Observed: 1 variant allele.
Comment: DOT1L: BP4, BP7